The following is an entry in ClinVar:

NM_001113378.2(FANCI):c.243G>T (p.Leu81Phe)

Gene: FANCI (FA complementation group I; plus strand). Cytogenetic location: 15q26.1.
Variant type: single nucleotide variant.
Coding change: c.243G>T on transcript NM_001113378.2 (MANE Select); coding-DNA position 243, G replaced by T.
Protein change: p.Leu81Phe; replaces leucine 81 with phenylalanine.
Molecular consequence: missense variant. On other transcripts: 5 prime UTR variant (1).
Genome position (GRCh38, 1-based): chr15:89,260,798, G>T. VCF-style: chr15-89260798-G-T. GRCh37 (hg19) VCF-style: chr15-89804029-G-T.
Other names: c.-37G>T (NM_001376910.1); c.243G>T, p.Leu81Phe (NM_001376911.1, NM_018193.3); short protein forms L81F.
Identifiers: ClinVar variation 1504261 (VCV001504261.5), dbSNP rs765418977, ClinGen allele CA7722543.

ClinVar aggregate classification (germline): Uncertain significance. Review status: criteria provided, multiple submitters, no conflicts (2 of 4 stars). 2 submissions from 2 submitters: Uncertain significance (2). Last evaluated 2025-11-11.

Conditions:
Fanconi anemia (FA). Also called: Fanconi's anemia. Identifiers: Orphanet 84, MedGen C0015625, MeSH D005199, MONDO:0019391.
Fanconi anemia complementation group I (FANCI). Also called: FANCI-Related Fanconi Anemia. Identifiers: Orphanet 84, MedGen C1836861, MONDO:0012186, OMIM 609053.

Allele frequency attached by ClinVar (database versions not stated): TOPMed below 0.00001; ExAC 0.00001; gnomAD exomes 0.00001 and 0.00002.
gnomAD v4.1: 34 of 1,614,012 alleles (0.0021%); highest among the groups gnomAD compares: Non-Finnish European, 0.0026%; no homozygotes.

Submissions (2):

Labcorp Genetics (formerly Invitae), Labcorp
Classification: Uncertain significance for Fanconi anemia. Last evaluated: 2025-11-11. Review status: criteria provided, single submitter. Criteria: Invitae Variant Classification Sherloc (09022015). Collection method: clinical testing. Allele origin: germline.
Comment: This sequence change replaces leucine, which is neutral and non-polar, with phenylalanine, which is neutral and non-polar, at codon 81 of the FANCI protein (p.Leu81Phe). This variant is present in population databases (rs765418977, gnomAD 0.003%). This variant has not been reported in the literature in individuals affected with FANCI-related conditions. ClinVar contains an entry for this variant (Variation ID: 1504261). Invitae Evidence Modeling of protein sequence and biophysical properties (such as structural, functional, and spatial information, amino acid conservation, physicochemical variation, residue mobility, and thermodynamic stability) indicates that this missense variant is expected to disrupt FANCI protein function with a positive predictive value of 80%. In summary, the available evidence is currently insufficient to determine the role of this variant in disease. Therefore, it has been classified as a Variant of Uncertain Significance.

Fulgent Genetics
Classification: Uncertain significance for Fanconi anemia complementation group I. Last evaluated: 2024-03-12. Review status: criteria provided, single submitter. Criteria: ACMG Guidelines, 2015. Collection method: clinical testing. Allele origin: germline.